The following is an entry in ClinVar:

ClinVar aggregate classification (germline): Uncertain significance (1 of 4 stars; one submission).

Allele frequency attached by ClinVar (database versions not stated): gnomAD exomes below 0.00001; ExAC 0.00001.
gnomAD v4.1: 2 of 1,614,088 alleles (0.00012%); highest among the groups gnomAD compares: East Asian, 0.0045%; no homozygotes.

Submission:

Labcorp Genetics (formerly Invitae), Labcorp
Classification: Uncertain significance. Last evaluated: 2023-04-11. Review status: criteria provided, single submitter. Criteria: Invitae Variant Classification Sherloc (09022015). Collection method: clinical testing. Allele origin: germline.
Comment: In summary, the available evidence is currently insufficient to determine the role of this variant in disease. Therefore, it has been classified as a Variant of Uncertain Significance. Advanced modeling of protein sequence and biophysical properties (such as structural, functional, and spatial information, amino acid conservation, physicochemical variation, residue mobility, and thermodynamic stability) performed at Invitae indicates that this missense variant is not expected to disrupt TFRC protein function. This variant has not been reported in the literature in individuals affected with TFRC-related conditions. This variant is present in population databases (rs779407648, gnomAD 0.006%). This sequence change replaces glycine, which is neutral and non-polar, with serine, which is neutral and polar, at codon 567 of the TFRC protein (p.Gly567Ser).

NM_001128148.3(TFRC):c.1699G>A (p.Gly567Ser)

Gene: TFRC (transferrin receptor; minus strand). Cytogenetic location: 3q29.
Variant type: single nucleotide variant.
Coding change: c.1699G>A on transcript NM_001128148.3 (MANE Select); coding-DNA position 1699, G replaced by A.
Protein change: p.Gly567Ser; replaces glycine 567 with serine.
Molecular consequence: missense variant.
Genome position (GRCh38, 1-based): chr3:196,055,280, C>T on the plus strand (G>A on the coding strand, the complement: TFRC is on the minus strand). VCF-style: chr3-196055280-C-T. GRCh37 (hg19) VCF-style: chr3-195782151-C-T.
Other names: c.1456G>A, p.Gly486Ser (NM_001313965.2); c.853G>A, p.Gly285Ser (NM_001313966.2); c.1699G>A, p.Gly567Ser (NM_003234.4); short protein forms G486S, G285S, G567S.
Identifiers: ClinVar variation 2786623 (VCV002786623.3), dbSNP rs779407648, ClinGen allele CA2777792.
Genomic context (GRCh38, chr3:196,055,280, plus strand): 5'-CCACTTTGTTCAACTCAGGAATCCTCTCAATCAGTTCCTTATAGGTGTCCATGGTGGTAC[C>T]CAAATAAGGATAATCTGTGTCCTGCAAGACAACGCGAGGCTATGGTACTCACGTGAGTTC-3'
Protein context (NP_001121620.1, residues 557-577): FCEDTDYPYL[Gly567Ser]TTMDTYKELI